The following is an entry in ClinVar:

ClinVar aggregate classification (germline): Likely benign. Review status: criteria provided, multiple submitters, no conflicts (2 of 4 stars). 2 submissions from 2 submitters: Likely benign (2). Last evaluated 2024-05-12.

Conditions:
Neuronal ceroid lipofuscinosis. Also called: Neuronal Ceroid Lipofuscinoses. Identifiers: Orphanet 216, Orphanet 79263, MedGen C0027877, MONDO:0016295. Disease mechanism: loss of function.

Allele frequency attached by ClinVar (database versions not stated): gnomAD exomes 0.00001.

Submissions (2):

Labcorp Genetics (formerly Invitae), Labcorp
Classification: Likely benign for Neuronal ceroid lipofuscinosis. Last evaluated: 2024-05-12. Review status: criteria provided, single submitter. Criteria: Invitae Variant Classification Sherloc (09022015). Collection method: clinical testing. Allele origin: germline.

GeneDx
Classification: Likely benign. Last evaluated: 2017-08-08. Review status: criteria provided, single submitter. Criteria: GeneDx Variant Classification (06012015). Collection method: clinical testing. Allele origin: germline. Affected: yes.
Comment: This variant is considered likely benign or benign based on one or more of the following criteria: it is a conservative change, it occurs at a poorly conserved position in the protein, it is predicted to be benign by multiple in silico algorithms, and/or has population frequency not consistent with disease.

NM_017882.3(CLN6):c.918C>T (p.His306=)

Gene: CLN6 (CLN6 transmembrane ER protein; minus strand). Cytogenetic location: 15q23.
Variant type: single nucleotide variant.
Coding change: c.918C>T on transcript NM_017882.3 (MANE Select); coding-DNA position 918, C replaced by T.
Protein change: p.His306=; no amino-acid change (histidine 306 retained).
Molecular consequence: synonymous variant.
Genome position (GRCh38, 1-based): chr15:68,208,158, G>A on the plus strand (C>T on the coding strand, the complement: CLN6 is on the minus strand). VCF-style: chr15-68208158-G-A. GRCh37 (hg19) VCF-style: chr15-68500496-G-A.
Identifiers: ClinVar variation 511333 (VCV000511333.10), dbSNP rs1347398610, ClinGen allele CA491099744.
Genomic context (GRCh38, chr15:68,208,158, plus strand): 5'-ACCCTCCCACCCAGCAGAGCGCCAGAGCCTGGTGCCAGGGACTCAGTGCCGACTGCTGAC[G>A]TGAAGGGTGTAGAAAGCCCAGGGCTCAGGGACGTAGATGACACCCGGGTACTTCTTCCTG-3'
Protein context (NP_060352.1, residues 296-311): VPEPWAFYTL[His306=]VSSRH